The following is an entry in ClinVar:

NM_000245.4(MET):c.3163C>A (p.Leu1055Ile)

Gene: MET (MET proto-oncogene, receptor tyrosine kinase; plus strand). Cytogenetic location: 7q31.2.
Variant type: single nucleotide variant.
Coding change: c.3163C>A on transcript NM_000245.4 (MANE Select); coding-DNA position 3163, C replaced by A.
Protein change: p.Leu1055Ile; replaces leucine 1055 with isoleucine.
Molecular consequence: missense variant.
Genome position (GRCh38, 1-based): chr7:116,775,015, C>A. VCF-style: chr7-116775015-C-A. GRCh37 (hg19) VCF-style: chr7-116415069-C-A.
Other names: c.3217C>A, p.Leu1073Ile (NM_001127500.3); c.1873C>A, p.Leu625Ile (NM_001324402.2); c.3217C>A (LRG_662t1); short protein forms L1073I, L1055I, L625I.
Identifiers: ClinVar variation 411890 (VCV000411890.12), dbSNP rs1060503534, ClinGen allele CA16612086.

ClinVar aggregate classification (germline): Conflicting classifications of pathogenicity. Review status: criteria provided, conflicting classifications (1 of 4 stars). 2 submissions from 2 submitters: Uncertain significance (1); Likely benign (1). Last evaluated 2026-09-04.

Conditions:
Hereditary cancer-predisposing syndrome. Also called: Neoplastic Syndromes, Hereditary; Hereditary Cancer Syndrome; Tumor predisposition; Hereditary neoplastic syndrome. Identifiers: Orphanet 140162, MedGen C0027672, MeSH D009386, MONDO:0015356.
Renal cell carcinoma. Identifiers: Orphanet 217071, MedGen C0007134, MeSH D002292, MONDO:0005086, HP:0005584.

gnomAD v4.1: 7 of 1,614,216 alleles (0.00043%); highest among the groups gnomAD compares: Middle Eastern, 0.017%; no homozygotes.

Submissions (2):

Ambry Genetics
Classification: Likely benign for Hereditary cancer-predisposing syndrome. Last evaluated: 2026-09-04. Review status: criteria provided, single submitter. Criteria: Ambry Variant Classification Scheme 2023. Collection method: clinical testing. Allele origin: germline.

Labcorp Genetics (formerly Invitae), Labcorp
Classification: Uncertain significance for Renal cell carcinoma. Last evaluated: 2025-01-19. Review status: criteria provided, single submitter. Criteria: Invitae Variant Classification Sherloc (09022015). Collection method: clinical testing. Allele origin: germline.
Comment: This sequence change replaces leucine, which is neutral and non-polar, with isoleucine, which is neutral and non-polar, at codon 1073 of the MET protein (p.Leu1073Ile). This variant is not present in population databases (gnomAD no frequency). This variant has not been reported in the literature in individuals affected with MET-related conditions. ClinVar contains an entry for this variant (Variation ID: 411890). Invitae Evidence Modeling of protein sequence and biophysical properties (such as structural, functional, and spatial information, amino acid conservation, physicochemical variation, residue mobility, and thermodynamic stability) indicates that this missense variant is not expected to disrupt MET protein function with a negative predictive value of 80%. In summary, the available evidence is currently insufficient to determine the role of this variant in disease. Therefore, it has been classified as a Variant of Uncertain Significance.